The following is an entry in ClinVar:

ClinVar aggregate classification (germline): Pathogenic/Likely pathogenic. Review status: criteria provided, multiple submitters, no conflicts (2 of 4 stars). 2 submissions from 2 submitters: Pathogenic (1); Likely pathogenic (1). Last evaluated 2025-09-10.

Conditions:
Pseudo-Hurler polydystrophy. Also called: ML III; ML III ALPHA/BETA; Type III Mucolipidosis; ML IIIA; Mucolipidosis III Alpha/Beta; MUCOLIPIDOSIS IIIA. Identifiers: Orphanet 423461, Orphanet 577, MedGen C0033788, MONDO:0018931, OMIM 252600.
Mucolipidosis type II. Also called: ML II ALPHA/BETA; Mucolipidosis 2; ML 2; Inclusion cell disease; Leroy Disease; N-acetylglucosamine 1phosphotransferase deficiency. Identifiers: Orphanet 576, MedGen C2673377, MONDO:0009650, OMIM 252500.

Submissions (2):

Genomic Medicine Center of Excellence, King Faisal Specialist Hospital and Research Centre
Classification: Likely pathogenic for Mucolipidosis type II. Last evaluated: 2025-09-10. Review status: criteria provided, single submitter. Criteria: ACMG Guidelines, 2015. Collection method: clinical testing. Allele origin: germline.

Labcorp Genetics (formerly Invitae), Labcorp
Classification: Pathogenic for Pseudo-Hurler polydystrophy; Mucolipidosis type II. Last evaluated: 2022-01-15. Review status: criteria provided, single submitter. Criteria: Invitae Variant Classification Sherloc (09022015). Collection method: clinical testing. Allele origin: germline.
Comment: This sequence change replaces leucine, which is neutral and non-polar, with proline, which is neutral and non-polar, at codon 1033 of the GNPTAB protein (p.Leu1033Pro). For these reasons, this variant has been classified as Pathogenic. Advanced modeling of protein sequence and biophysical properties (such as structural, functional, and spatial information, amino acid conservation, physicochemical variation, residue mobility, and thermodynamic stability) performed at Invitae indicates that this missense variant is expected to disrupt GNPTAB protein function. This missense change has been observed in individuals with clinical features of GNPTAB-related conditions (PMID: 29872134; Invitae). This variant is not present in population databases (gnomAD no frequency).

Literature cited by the submitters: PubMed 29872134 (cited by Labcorp Genetics (formerly Invitae), Labcorp).

NM_024312.5(GNPTAB):c.3098T>C (p.Leu1033Pro)

Gene: GNPTAB (N-acetylglucosamine-1-phosphate transferase subunits alpha and beta; minus strand). Cytogenetic location: 12q23.2.
Variant type: single nucleotide variant.
Coding change: c.3098T>C on transcript NM_024312.5 (MANE Select); coding-DNA position 3098, T replaced by C.
Protein change: p.Leu1033Pro; replaces leucine 1033 with proline.
Molecular consequence: missense variant.
Genome position (GRCh38, 1-based): chr12:101,761,164, A>G on the plus strand (T>C on the coding strand, the complement: GNPTAB is on the minus strand). VCF-style: chr12-101761164-A-G. GRCh37 (hg19) VCF-style: chr12-102154942-A-G.
Other names: short protein forms L1033P.
Identifiers: ClinVar variation 1512266 (VCV001512266.7), dbSNP rs1594210754, ClinGen allele CA386295154.
Genomic context (GRCh38, chr12:101,761,164, plus strand): 5'-TTTAGAATAAGACAATACAACACCTGCAAACTTAACGGCAGTTCGTGAATTCTGGTAGCC[A>G]GTGTTCGGATTTCTCTGTCAGACAAGACACCAGATTGATCTGTATCAACTTCATCAAAGA-3'
Protein context (NP_077288.2, residues 1023-1043): GVLSDREIRT[Leu1033Pro]ATRIHELPLS